The following is an entry in ClinVar:

ClinVar aggregate classification (germline): Uncertain significance. Review status: criteria provided, multiple submitters, no conflicts (2 of 4 stars). 5 submissions from 5 submitters: Uncertain significance (5). Last evaluated 2025-11-01.

Conditions:
Inborn genetic diseases. Identifiers: MedGen C0950123, MeSH D030342.
RFT1-congenital disorder of glycosylation (CDG1N). Also called: RFT1-CDG; Congenital disorder of glycosylation type In; CDG In. Identifiers: Orphanet 244310, MedGen C2677590, MONDO:0012783, OMIM 612015.

gnomAD v4.1: 7 of 1,613,810 alleles (0.00043%); highest among the groups gnomAD compares: East Asian, 0.0067%; no homozygotes.

Submissions (5):

Medical Molecular Genetics, National Research Centre
Classification: Uncertain significance for RFT1-congenital disorder of glycosylation. Last evaluated: 2025-11-01. Review status: criteria provided, single submitter. Criteria: ACMG Guidelines, 2015. Collection method: research. Allele origin: inherited. Affected: yes.

GeneDx
Classification: Uncertain significance. Last evaluated: 2025-07-16. Review status: criteria provided, single submitter. Criteria: GeneDx Variant Classification Process June 2021. Collection method: clinical testing. Allele origin: germline. Affected: yes.
Comment: Not observed at significant frequency in large population cohorts (gnomAD); In silico analysis supports that this missense variant has a deleterious effect on protein structure/function; This variant is associated with the following publications: (PMID: 38374194)

Labcorp Genetics (formerly Invitae), Labcorp
Classification: Uncertain significance for RFT1-congenital disorder of glycosylation. Last evaluated: 2022-05-12. Review status: criteria provided, single submitter. Criteria: Invitae Variant Classification Sherloc (09022015). Collection method: clinical testing. Allele origin: germline.
Comment: This sequence change replaces arginine, which is basic and polar, with cysteine, which is neutral and slightly polar, at codon 37 of the RFT1 protein (p.Arg37Cys). This variant is present in population databases (rs764833139, gnomAD 0.006%). This variant has not been reported in the literature in individuals affected with RFT1-related conditions. Algorithms developed to predict the effect of missense changes on protein structure and function (SIFT, PolyPhen-2, Align-GVGD) all suggest that this variant is likely to be disruptive. In summary, the available evidence is currently insufficient to determine the role of this variant in disease. Therefore, it has been classified as a Variant of Uncertain Significance.

Victorian Clinical Genetics Services, Murdoch Childrens Research Institute
Classification: Uncertain significance for RFT1-congenital disorder of glycosylation. Last evaluated: 2022-02-02. Review status: criteria provided, single submitter. Criteria: ACMG Guidelines, 2015. Collection method: clinical testing. Allele origin: germline. Inheritance: Autosomal recessive inheritance. Affected: yes.
Comment: Based on the classification scheme VCGS_Germline_v1.3.4, this variant is classified as VUS-3A. The following criteria are met: 0102 - Loss of function is a mechanism of disease in this gene and is associated with congenital disorder of glycosylation type In (MIM# 612015). (I) 0106 - This gene is associated with autosomal recessive disease. (I) 0200 - Variant is predicted to result in a missense amino acid change from an arginine to cysteine. (I) 0251 - This variant is heterozygous. (I) 0304 - Variant is present in gnomAD <0.01 for a recessive condition (v2) (1 heterozygote, 0 homozygotes). (SP) 0309 - Two alternative amino acid changes at the same position has been observed in gnomAD (v2) (p.(Arg37His): 13 heterozygotes, 0 homozygotes. p.(Arg37Ser): 1 heterozygote, 0 homozygotes). (I) 0501 - Missense variant consistently predicted to be damaging by multiple in silico tools or highly conserved with a major amino acid change. (SP) 0604 - Variant is not located in an established domain, motif, hotspot or informative constraint region. (I) 0807 - This variant has no previous evidence of pathogenicity. (I) 0905 - No published segregation evidence has been identified for this variant. (I) 1007 - No published functional evidence has been identified for this variant. (I) 0704 - Another missense variant (p.(Arg37Leu)) comparable to the one identified in this case has limited previous evidence for pathogenicity and has been reported in one CDG patient (PMID: 26892341). (SP) Legend: (SP) - Supporting pathogenic, (I) - Information, (SB) - Supporting benign

Ambry Genetics
Classification: Uncertain significance for Inborn genetic diseases. Last evaluated: 2021-07-08. Review status: criteria provided, single submitter. Criteria: Ambry Variant Classification Scheme 2023. Collection method: clinical testing. Allele origin: germline.

Literature cited by the submitters: PubMed 26892341 (cited by Victorian Clinical Genetics Services, Murdoch Childrens Research Institute).

NM_052859.4(RFT1):c.109C>T (p.Arg37Cys)

Gene: RFT1 (RFT1 glycolipid translocator homolog; minus strand). Cytogenetic location: 3p21.1.
Variant type: single nucleotide variant.
Coding change: c.109C>T on transcript NM_052859.4 (MANE Select); coding-DNA position 109, C replaced by T.
Protein change: p.Arg37Cys; replaces arginine 37 with cysteine.
Molecular consequence: missense variant.
Genome position (GRCh38, 1-based): chr3:53,125,949, G>A on the plus strand (C>T on the coding strand, the complement: RFT1 is on the minus strand). VCF-style: chr3-53125949-G-A. GRCh37 (hg19) VCF-style: chr3-53159965-G-A.
Other names: short protein forms R37C.
Identifiers: ClinVar variation 1699137 (VCV001699137.8), dbSNP rs764833139, ClinGen allele CA2451549.